The following is an entry in ClinVar:

NM_000525.4(KCNJ11):c.539C>A (p.Thr180Asn)

Gene: KCNJ11 (potassium inwardly rectifying channel subfamily J member 11; minus strand). Cytogenetic location: 11p15.1.
Variant type: single nucleotide variant.
Coding change: c.539C>A on transcript NM_000525.4 (MANE Select); coding-DNA position 539, C replaced by A.
Protein change: p.Thr180Asn; replaces threonine 180 with asparagine.
Molecular consequence: missense variant.
Genome position (GRCh38, 1-based): chr11:17,387,553, G>T on the plus strand (C>A on the coding strand, the complement: KCNJ11 is on the minus strand). VCF-style: chr11-17387553-G-T. GRCh37 (hg19) VCF-style: chr11-17409100-G-T.
Other names: c.278C>A, p.Thr93Asn (NM_001166290.2, NM_001377296.1, NM_001377297.1); short protein forms T93N, T180N.
Identifiers: ClinVar variation 1034247 (VCV001034247.2), dbSNP rs1953584002, ClinGen allele CA379772882.

ClinVar aggregate classification (germline): Uncertain significance. Review status: criteria provided, multiple submitters, no conflicts (2 of 4 stars). 2 submissions from 2 submitters: Uncertain significance (2). Last evaluated 2018-05-09.

Conditions:
Maturity-onset diabetes of the young (MODY). Also called: Maturity onset diabetes mellitus in young. Identifiers: Orphanet 552, MedGen C0342276, MONDO:0018911, HP:0004904.
Diabetes mellitus, transient neonatal, 3 (TNDM3). Identifiers: Orphanet 99886, MedGen C1864623, MONDO:0012522, OMIM 610582. Disease mechanism: loss of function.

Submissions (2):

Baylor Genetics
Classification: Uncertain significance for Diabetes mellitus, transient neonatal, 3. Last evaluated: 2018-05-09. Review status: criteria provided, single submitter. Criteria: ACMG Guidelines, 2015. Collection method: clinical testing. Allele origin: maternal. Affected: yes.
Comment: This variant was determined to be of uncertain significance according to ACMG Guidelines, 2015 [PMID:25741868].

Clinical Genomics, Uppaluri K&H Personalized Medicine Clinic
Classification: Uncertain significance for Maturity-onset diabetes of the young. Review status: criteria provided, single submitter. Criteria: K&H Uppaluri Personalized Medicine Clinic Variant Classification & Assertion Criteria. Collection method: research. Allele origin: somatic. Inheritance: Autosomal dominant inheritance.
Comment: Mutations in KCNJ11 gene can cause decreased production and secretion of insulin. This can lead to MODY which is responsive to oral sulfonylureas. It is also associated with Neonatal Diabetes. However, no sufficient evidence is found to ascertain the role of rs1953584002 variant in Diabetes Mellitus yet.

Literature cited by the submitters: PubMed 26448950 (cited by Clinical Genomics, Uppaluri K&H Personalized Medicine Clinic); PubMed 15580558 (cited by Clinical Genomics, Uppaluri K&H Personalized Medicine Clinic); PubMed 15718250 (cited by Clinical Genomics, Uppaluri K&H Personalized Medicine Clinic).